The following is an entry in ClinVar:

ClinVar aggregate classification (germline): Uncertain significance (1 of 4 stars; one submission).

Submission:

GeneDx
Classification: Uncertain significance. Last evaluated: 2024-07-10. Review status: criteria provided, single submitter. Criteria: GeneDx Variant Classification Process June 2021. Collection method: clinical testing. Allele origin: germline. Affected: yes.
Comment: Not observed at significant frequency in large population cohorts (gnomAD); In silico analysis indicates that this missense variant does not alter protein structure/function; Has not been previously published as pathogenic or benign to our knowledge

NM_002430.3(MN1):c.640T>A (p.Ser214Thr)

Gene: MN1 (MN1 proto-oncogene, transcriptional regulator; minus strand). Cytogenetic location: 22q12.1.
Variant type: single nucleotide variant.
Coding change: c.640T>A on transcript NM_002430.3 (MANE Select); coding-DNA position 640, T replaced by A.
Protein change: p.Ser214Thr; replaces serine 214 with threonine.
Molecular consequence: missense variant.
Genome position (GRCh38, 1-based): chr22:27,799,904, A>T on the plus strand (T>A on the coding strand, the complement: MN1 is on the minus strand). VCF-style: chr22-27799904-A-T. GRCh37 (hg19) VCF-style: chr22-28195892-A-T.
Other names: short protein forms S214T.
Identifiers: ClinVar variation 3572834 (VCV003572834.1).